The following is an entry in ClinVar:

ClinVar aggregate classification (germline): Conflicting classifications of pathogenicity. Review status: criteria provided, conflicting classifications (1 of 4 stars). 8 submissions from 8 submitters: Uncertain significance (4); Likely benign (4). Last evaluated 2026-04-13.

Conditions:
TTN-related disorder. Also called: TTN-related condition; TTN-related disease; TTN-related disorders.
Cardiovascular phenotype. Identifiers: MedGen CN230736.
Dilated cardiomyopathy 1G (CMD1G). Identifiers: Orphanet 154, MedGen C1858763, MONDO:0011400, OMIM 604145.
Autosomal recessive limb-girdle muscular dystrophy type 2J (LGMDR10). Also called: Limb-girdle muscular dystrophy, type 2J; MUSCULAR DYSTROPHY, LIMB-GIRDLE, AUTOSOMAL RECESSIVE 10. Identifiers: Orphanet 140922, MedGen C1837342, MONDO:0012127, OMIM 608807.

Allele frequency attached by ClinVar (database versions not stated): gnomAD 0.00003; gnomAD exomes 0.00006 and 0.00013; TOPMed 0.00006; ExAC 0.00008.
gnomAD v4.1: 100 of 1,612,470 alleles (0.0062%); highest among the groups gnomAD compares: East Asian, 0.0067%; no homozygotes.

Submissions (8):

Women's Health and Genetics/Laboratory Corporation of America, LabCorp
Classification: Uncertain significance. Last evaluated: 2026-04-13. Review status: criteria provided, single submitter. Criteria: LabCorp Variant Classification Summary - May 2015. Collection method: clinical testing. Allele origin: germline.
Comment: Variant summary: TTN c.39812T>C (p.Ile13271Thr) results in a non-conservative amino acid change in the encoded protein sequence. Algorithms developed to predict the effect of missense changes on protein structure and function are either unavailable or do not agree on the potential impact of this missense change. The variant allele was found at a frequency of 0.00013 in 247912 control chromosomes. This frequency is not significantly higher than estimated for disease-causing variants in TTN, allowing no conclusion about variant significance. To our knowledge, no occurrence of c.39812T>C in individuals affected with TTN-related conditions and no experimental evidence demonstrating its impact on protein function have been reported. ClinVar contains an entry for this variant (Variation ID: 202657). Based on the evidence outlined above, the variant was classified as uncertain significance.

PreventionGenetics, part of Exact Sciences
Classification: Likely benign for TTN-related condition. Last evaluated: 2026-01-21. Review status: criteria provided, single submitter. Criteria: ACMG Guidelines, 2015. Collection method: clinical testing. Allele origin: germline.
Comment: This variant is classified as likely benign based on ACMG/AMP sequence variant interpretation guidelines (Richards et al. 2015 PMID: 25741868, with internal and published modifications).

Blueprint Genetics
Classification: Likely benign. Last evaluated: 2023-06-19. Review status: criteria provided, single submitter. Criteria: ACMG Guidelines, 2015. Collection method: clinical testing. Allele origin: germline.

Revvity Omics, Revvity
Classification: Uncertain significance. Last evaluated: 2022-05-20. Review status: criteria provided, single submitter. Criteria: ACMG Guidelines, 2015. Collection method: clinical testing. Allele origin: germline.

GeneDx
Classification: Likely benign. Last evaluated: 2020-12-09. Review status: criteria provided, single submitter. Criteria: GeneDx Variant Classification Process June 2021. Collection method: clinical testing. Allele origin: germline. Affected: yes.

Ambry Genetics
Classification: Likely benign for Cardiovascular phenotype. Last evaluated: 2018-10-29. Review status: criteria provided, single submitter. Criteria: Ambry Variant Classification Scheme 2023. Collection method: clinical testing. Allele origin: germline.

Eurofins Ntd Llc (ga)
Classification: Uncertain significance. Last evaluated: 2018-08-10. Review status: criteria provided, single submitter. Criteria: EGL ClinVar v180209 classification definitions. Collection method: clinical testing. Allele origin: germline. Observed: 2 variant alleles, 2 heterozygotes.

Labcorp Genetics (formerly Invitae), Labcorp
Classification: Uncertain significance for Dilated cardiomyopathy 1G; Autosomal recessive limb-girdle muscular dystrophy type 2J. Last evaluated: 2016-12-17. Review status: criteria provided, single submitter. Criteria: Invitae Variant Classification Sherloc (09022015). Collection method: clinical testing. Allele origin: germline.

NM_001267550.2(TTN):c.47516T>C (p.Ile15839Thr)

Genes: TTN (titin; minus strand), TTN-AS1 (TTN antisense RNA 1; plus strand). Cytogenetic location: 2q31.2.
Variant type: single nucleotide variant.
Coding change: c.47516T>C on transcript NM_001267550.2 (MANE Select); coding-DNA position 47516, T replaced by C.
Protein change: p.Ile15839Thr; replaces isoleucine 15839 with threonine.
Molecular consequence: missense variant.
Genome position (GRCh38, 1-based): chr2:178,617,835, A>G on the plus strand (T>C on the coding strand, the complement: TTN is on the minus strand). VCF-style: chr2-178617835-A-G. GRCh37 (hg19) VCF-style: chr2-179482562-A-G.
Other names: p.I14198T:ATT>ACT; c.42593T>C, p.Ile14198Thr (NM_001256850.1); c.20321T>C, p.Ile6774Thr (NM_003319.4); c.39812T>C, p.Ile13271Thr (NM_133378.4); c.20696T>C, p.Ile6899Thr (NM_133432.3); c.20897T>C, p.Ile6966Thr (NM_133437.4); short protein forms I14198T, I15839T, I13271T, I6966T, I6899T, I6774T.
Identifiers: ClinVar variation 202657 (VCV000202657.20), dbSNP rs764388462, ClinGen allele CA309893.